The following is an entry in ClinVar:

ClinVar aggregate classification (germline): Uncertain significance. Review status: criteria provided, multiple submitters, no conflicts (2 of 4 stars). 2 submissions from 2 submitters: Uncertain significance (2). Last evaluated 2024-02-27.

Conditions:
Inborn genetic diseases. Identifiers: MedGen C0950123, MeSH D030342.

Allele frequency attached by ClinVar (database versions not stated): gnomAD 0.00002 and 0.00003; gnomAD exomes 0.00004 and 0.00013; TOPMed 0.00006; ExAC 0.00011; 1000 Genomes Project 30x 0.00016; 1000 Genomes Project 0.00020.
gnomAD v4.1: 60 of 1,614,030 alleles (0.0037%); highest among the groups gnomAD compares: Admixed American, 0.038%; no homozygotes.

Submissions (2):

Ambry Genetics
Classification: Uncertain significance for Inborn genetic diseases. Last evaluated: 2024-02-27. Review status: criteria provided, single submitter. Criteria: Ambry Variant Classification Scheme 2023. Collection method: clinical testing. Allele origin: germline.

Labcorp Genetics (formerly Invitae), Labcorp
Classification: Uncertain significance. Last evaluated: 2022-08-31. Review status: criteria provided, single submitter. Criteria: Invitae Variant Classification Sherloc (09022015). Collection method: clinical testing. Allele origin: germline.
Comment: This sequence change replaces arginine, which is basic and polar, with histidine, which is basic and polar, at codon 1075 of the CAD protein (p.Arg1075His). This variant is present in population databases (rs190705433, gnomAD 0.09%). This variant has not been reported in the literature in individuals affected with CAD-related conditions. ClinVar contains an entry for this variant (Variation ID: 1352722). Algorithms developed to predict the effect of missense changes on protein structure and function (SIFT, PolyPhen-2, Align-GVGD) all suggest that this variant is likely to be tolerated. Algorithms developed to predict the effect of sequence changes on RNA splicing suggest that this variant may create or strengthen a splice site. In summary, the available evidence is currently insufficient to determine the role of this variant in disease. Therefore, it has been classified as a Variant of Uncertain Significance.

NM_004341.5(CAD):c.3224G>A (p.Arg1075His)

Gene: CAD (carbamoyl-phosphate synthetase 2, aspartate transcarbamylase, and dihydroorotase; plus strand). Cytogenetic location: 2p23.3.
Variant type: single nucleotide variant.
Coding change: c.3224G>A on transcript NM_004341.5 (MANE Select); coding-DNA position 3224, G replaced by A.
Protein change: p.Arg1075His; replaces arginine 1075 with histidine.
Molecular consequence: missense variant.
Genome position (GRCh38, 1-based): chr2:27,233,633, G>A. VCF-style: chr2-27233633-G-A. GRCh37 (hg19) VCF-style: chr2-27456501-G-A.
Other names: c.3035G>A, p.Arg1012His (NM_001306079.2); c.3224G>A (NM_004341.3); short protein forms R1012H, R1075H.
Identifiers: ClinVar variation 1352722 (VCV001352722.6), dbSNP rs190705433, ClinGen allele CA1573235.
Genomic context (GRCh38, chr2:27,233,633, plus strand): 5'-TGATGCTTGGGGGAAAGTGTGAACAACTCAGCTAAGCTCCCTGCCTCCTGTAGTCTGCTC[G>A]CCAATTCTGCCAGACCGTGGGGTACCCCTGTGTGGTGCGCCCCTCCTATGTGCTGAGCGG-3'
Protein context (NP_004332.2, residues 1065-1085): WRELSDLESA[Arg1075His]QFCQTVGYPC